The following is an entry in ClinVar:

ClinVar aggregate classification (germline): Uncertain significance (1 of 4 stars; one submission).

Conditions:
Hereditary cancer-predisposing syndrome. Also called: Tumor predisposition; Hereditary neoplastic syndrome; Neoplastic Syndromes, Hereditary; Hereditary Cancer Syndrome. Identifiers: Orphanet 140162, MedGen C0027672, MeSH D009386, MONDO:0015356.

Submission:

Labcorp Genetics (formerly Invitae), Labcorp
Classification: Uncertain significance for Hereditary cancer-predisposing syndrome. Last evaluated: 2022-10-05. Review status: criteria provided, single submitter. Criteria: Invitae Variant Classification Sherloc (09022015). Collection method: clinical testing. Allele origin: germline.
Comment: This sequence change replaces asparagine, which is neutral and polar, with histidine, which is basic and polar, at codon 1063 of the RAD50 protein (p.Asn1063His). In summary, the available evidence is currently insufficient to determine the role of this variant in disease. Therefore, it has been classified as a Variant of Uncertain Significance. Advanced modeling of protein sequence and biophysical properties (such as structural, functional, and spatial information, amino acid conservation, physicochemical variation, residue mobility, and thermodynamic stability) performed at Invitae indicates that this missense variant is not expected to disrupt RAD50 protein function. ClinVar contains an entry for this variant (Variation ID: 847085). This variant has not been reported in the literature in individuals affected with RAD50-related conditions. This variant is not present in population databases (gnomAD no frequency).

NM_005732.4(RAD50):c.3187A>C (p.Asn1063His)

Gene: RAD50 (RAD50 double strand break repair protein; plus strand). Cytogenetic location: 5q31.1.
Variant type: single nucleotide variant.
Coding change: c.3187A>C on transcript NM_005732.4 (MANE Select); coding-DNA position 3187, A replaced by C.
Protein change: p.Asn1063His; replaces asparagine 1063 with histidine.
Molecular consequence: missense variant.
Genome position (GRCh38, 1-based): chr5:132,618,092, A>C. VCF-style: chr5-132618092-A-C. GRCh37 (hg19) VCF-style: chr5-131953784-A-C.
Other names: short protein forms N1063H.
Identifiers: ClinVar variation 847085 (VCV000847085.10), dbSNP rs876660257, ClinGen allele CA360964255.